The following is an entry in ClinVar:

ClinVar aggregate classification (germline): Likely benign. Review status: criteria provided, multiple submitters, no conflicts (2 of 4 stars). 3 submissions from 3 submitters: Likely benign (3). Last evaluated 2023-08-25.

Conditions:
Familial thoracic aortic aneurysm and aortic dissection (TAAD). Also called: Thoracic aortic aneurysms and dissections. Identifiers: Orphanet 91387, MedGen C4707243, MONDO:0019625.
Arterial tortuosity syndrome (ATORS). Identifiers: Orphanet 3342, MedGen C1859726, MONDO:0008818, OMIM 208050.

Allele frequency attached by ClinVar (database versions not stated): TOPMed below 0.00001; gnomAD exomes 0.00001; gnomAD 0.00002.
gnomAD v4.1: 23 of 1,591,756 alleles (0.0014%); highest among the groups gnomAD compares: Non-Finnish European, 0.002%; no homozygotes.

Submissions (3):

Labcorp Genetics (formerly Invitae), Labcorp
Classification: Likely benign for Arterial tortuosity syndrome. Last evaluated: 2023-08-25. Review status: criteria provided, single submitter. Criteria: Invitae Variant Classification Sherloc (09022015). Collection method: clinical testing. Allele origin: germline.

Ambry Genetics
Classification: Likely benign for Familial thoracic aortic aneurysm and aortic dissection. Last evaluated: 2023-06-16. Review status: criteria provided, single submitter. Criteria: Ambry Variant Classification Scheme 2023. Collection method: clinical testing. Allele origin: germline.

GeneDx
Classification: Likely benign. Last evaluated: 2017-02-14. Review status: criteria provided, single submitter. Criteria: GeneDx Variant Classification (06012015). Collection method: clinical testing. Allele origin: germline. Affected: yes.
Comment: This variant is considered likely benign or benign based on one or more of the following criteria: it is a conservative change, it occurs at a poorly conserved position in the protein, it is predicted to be benign by multiple in silico algorithms, and/or has population frequency not consistent with disease.

NM_030777.4(SLC2A10):c.1299T>C (p.Leu433=)

Gene: SLC2A10 (solute carrier family 2 member 10; plus strand). Cytogenetic location: 20q13.12.
Variant type: single nucleotide variant.
Coding change: c.1299T>C on transcript NM_030777.4 (MANE Select); coding-DNA position 1299, T replaced by C.
Protein change: p.Leu433=; no amino-acid change (leucine 433 retained).
Molecular consequence: synonymous variant.
Genome position (GRCh38, 1-based): chr20:46,726,874, T>C. VCF-style: chr20-46726874-T-C. GRCh37 (hg19) VCF-style: chr20-45355513-T-C.
Identifiers: ClinVar variation 507461 (VCV000507461.12), dbSNP rs879632885, ClinGen allele CA315757095.